The following is an entry in ClinVar:

NM_000203.5(IDUA):c.1950G>A (p.Pro650=)

Gene: IDUA (alpha-L-iduronidase; plus strand). Cytogenetic location: 4p16.3.
Variant type: single nucleotide variant.
Coding change: c.1950G>A on transcript NM_000203.5 (MANE Select); coding-DNA position 1950, G replaced by A.
Protein change: p.Pro650=; no amino-acid change (proline 650 retained).
Molecular consequence: synonymous variant. On other transcripts: non-coding transcript variant (1).
Genome position (GRCh38, 1-based): chr4:1,004,381, G>A. VCF-style: chr4-1004381-G-A. GRCh37 (hg19) VCF-style: chr4-998169-G-A.
Other names: c.1950G>A (NM_000203.4); c.1554G>A, p.Pro518= (NM_001363576.1).
Identifiers: ClinVar variation 2202220 (VCV002202220.5), dbSNP rs112884255, ClinGen allele CA91172475.
Genomic context (GRCh38, chr4:1,004,381, plus strand): 5'-CCCCTTCTCGGACCCTGTGCCGTACCTGGAGGTCCCTGTGCCAAGAGGGCCCCCATCCCC[G>A]GGCAATCCATGAGCCTGTGCTGAGCCCCAGTGGGTTGCACCTCCACCGGCAGTCAGCGAG-3'
Protein context (NP_000194.2, residues 640-653): EVPVPRGPPS[Pro650=]GNP

ClinVar aggregate classification (germline): Likely benign. Review status: criteria provided, multiple submitters, no conflicts (2 of 4 stars). 2 submissions from 2 submitters: Likely benign (2). Last evaluated 2026-05-27.

Conditions:
IDUA-related disorder. Also called: IDUA-related condition.
Mucopolysaccharidosis type 1. Also called: IDUA deficiency; MPS I; Mucopolysaccharidosis Type I. Identifiers: Orphanet 579, MedGen C0023786, MONDO:0001586.

Allele frequency attached by ClinVar (database versions not stated): gnomAD 0.00001; TOPMed 0.00002.
gnomAD v4.1: 29 of 1,610,412 alleles (0.0018%); highest among the groups gnomAD compares: Middle Eastern, 0.019%; no homozygotes.

Submissions (2):

PreventionGenetics, part of Exact Sciences
Classification: Likely benign for IDUA-related condition. Last evaluated: 2026-05-27. Review status: criteria provided, single submitter. Criteria: ACMG Guidelines, 2015. Collection method: clinical testing. Allele origin: germline.
Comment: This variant is classified as likely benign based on ACMG/AMP sequence variant interpretation guidelines (Richards et al. 2015 PMID: 25741868, with internal and published modifications).

Labcorp Genetics (formerly Invitae), Labcorp
Classification: Likely benign for Mucopolysaccharidosis type 1. Last evaluated: 2024-11-25. Review status: criteria provided, single submitter. Criteria: Invitae Variant Classification Sherloc (09022015). Collection method: clinical testing. Allele origin: germline.